The following is an entry in ClinVar:

NM_015046.7(SETX):c.6843-7_6843-5dup

Gene: SETX (senataxin; minus strand). Cytogenetic location: 9q34.13.
Variant type: Duplication.
Coding change: c.6843-7_6843-5dup on transcript NM_015046.7 (MANE Select); 7 bases into the intron before coding-DNA position 6843 through 5 bases into the intron before coding-DNA position 6843, 3 bases duplicated (TTT; older notation c.6843-7_6843-5dupTTT).
Molecular consequence: intron variant.
Genome position (GRCh38, 1-based): chr9:132,277,157-132,277,159, AAA duplicated on the plus strand (TTT on the coding strand, the reverse complement: SETX is on the minus strand); duplicating any 3 consecutive bases within chr9:132,277,157-132,277,168 gives the same sequence; the c. name uses the placement nearest the transcript's 3' end. VCF-style (leftmost placement, unchanged base first): chr9-132277156-T-TAAA. GRCh37 (hg19) VCF-style: chr9-135152543-T-TAAA.
Other names: c.6843-7_6843-5dup (NM_001351528.2, NM_001351527.2).
Identifiers: ClinVar variation 4988993 (VCV004988993.1).
Genomic context (GRCh38, chr9:132,277,156, plus strand): 5'-AACACAAGGTATGGCTGAAATGGCCAATCTGATGAACATCGAATGGCTTCTGTCTGTCTG[T>TAAA]AAAAAAAAAAAAGCAGTCAACATTCAGAATAAAGTCAAGATTTAAGAAAATATCTTGGTA-3'

ClinVar aggregate classification (germline): Likely benign (1 of 4 stars; one submission).

Conditions:
SETX-related disorder. Also called: SETX-related disorders; SETX-related condition. Identifiers: MedGen CN239403.

Submission:

PreventionGenetics, part of Exact Sciences
Classification: Likely benign for SETX-related condition. Last evaluated: 2026-05-16. Review status: criteria provided, single submitter. Criteria: ACMG Guidelines, 2015. Collection method: clinical testing. Allele origin: germline.
Comment: This variant is classified as likely benign based on ACMG/AMP sequence variant interpretation guidelines (Richards et al. 2015 PMID: 25741868, with internal and published modifications).